The following is an entry in ClinVar:

ClinVar aggregate classification (germline): Likely benign. Review status: criteria provided, multiple submitters, no conflicts (2 of 4 stars). 2 submissions from 2 submitters: Likely benign (2). Last evaluated 2024-07-30.

Conditions:
Autosomal recessive limb-girdle muscular dystrophy type 2O. Also called: Limb-Girdle Muscular Dystrophy Type 3C; MUSCULAR DYSTROPHY-DYSTROGLYCANOPATHY (LIMB-GIRDLE), TYPE C, 3; MUSCULAR DYSTROPHY-DYSTROGLYCANOPATHY, LIMB-GIRDLE, POMGNT1-RELATED. Identifiers: Orphanet 206564, MedGen C3150417, MONDO:0013161, OMIM 613157.
Muscular dystrophy-dystroglycanopathy (congenital with impaired intellectual development), type B, 3. Also called: Muscular dystrophy-dystroglycanopathy (congenital with intellectual disability), type B3; MUSCULAR DYSTROPHY, CONGENITAL, POMGNT1-RELATED. Identifiers: MedGen C3150412, MONDO:0013155, OMIM 613151.

Allele frequency attached by ClinVar (database versions not stated): gnomAD exomes below 0.00001; TOPMed below 0.00001; ExAC 0.00001; gnomAD 0.00001.
gnomAD v4.1: 7 of 1,614,060 alleles (0.00043%); highest among the groups gnomAD compares: African/African-American, 0.0013%; no homozygotes.

Submissions (2):

Labcorp Genetics (formerly Invitae), Labcorp
Classification: Likely benign for Autosomal recessive limb-girdle muscular dystrophy type 2O; Muscular dystrophy-dystroglycanopathy (congenital with impaired intellectual development), type B, 3. Last evaluated: 2024-07-30. Review status: criteria provided, single submitter. Criteria: Invitae Variant Classification Sherloc (09022015). Collection method: clinical testing. Allele origin: germline.

GeneDx
Classification: Likely benign. Last evaluated: 2017-07-24. Review status: criteria provided, single submitter. Criteria: GeneDx Variant Classification (06012015). Collection method: clinical testing. Allele origin: germline. Affected: yes.
Comment: This variant is considered likely benign or benign based on one or more of the following criteria: it is a conservative change, it occurs at a poorly conserved position in the protein, it is predicted to be benign by multiple in silico algorithms, and/or has population frequency not consistent with disease.

NM_017739.4(POMGNT1):c.861C>T (p.Ile287=)

Genes: POMGNT1 (protein O-linked mannose N-acetylglucosaminyltransferase 1 (beta 1,2-); minus strand), TSPAN1 (tetraspanin 1; plus strand). Cytogenetic location: 1p34.1.
Variant type: single nucleotide variant.
Coding change: c.861C>T on transcript NM_017739.4 (MANE Select); coding-DNA position 861, C replaced by T.
Protein change: p.Ile287=; no amino-acid change (isoleucine 287 retained).
Molecular consequence: synonymous variant.
Genome position (GRCh38, 1-based): chr1:46,194,292, G>A on the plus strand (C>T on the coding strand, the complement: POMGNT1 is on the minus strand). VCF-style: chr1-46194292-G-A. GRCh37 (hg19) VCF-style: chr1-46659964-G-A.
Other names: c.861C>T, p.Ile287= (NM_001243766.2, NM_001410783.1); c.795C>T, p.Ile265= (NM_001290129.3); c.432C>T, p.Ile144= (NM_001290130.2).
Identifiers: ClinVar variation 510961 (VCV000510961.10), dbSNP rs764747122, ClinGen allele CA833592.